The following is an entry in ClinVar:

NM_004667.6(HERC2):c.7318G>A (p.Val2440Met)

Gene: HERC2 (HECT and RLD domain containing E3 ubiquitin protein ligase 2; minus strand). Cytogenetic location: 15q13.1.
Variant type: single nucleotide variant.
Coding change: c.7318G>A on transcript NM_004667.6 (MANE Select); coding-DNA position 7318, G replaced by A.
Protein change: p.Val2440Met; replaces valine 2440 with methionine.
Molecular consequence: missense variant.
Genome position (GRCh38, 1-based): chr15:28,202,509, C>T on the plus strand (G>A on the coding strand, the complement: HERC2 is on the minus strand). VCF-style: chr15-28202509-C-T. GRCh37 (hg19) VCF-style: chr15-28447655-C-T.
Other names: short protein forms V2440M.
Identifiers: ClinVar variation 1804199 (VCV001804199.2), dbSNP rs763543082, ClinGen allele CA7441850.

ClinVar aggregate classification (germline): Uncertain significance. Review status: criteria provided, multiple submitters, no conflicts (2 of 4 stars). 2 submissions from 2 submitters: Uncertain significance (2). Last evaluated 2024-01-10.

Allele frequency attached by ClinVar (database versions not stated): gnomAD 0.00002; gnomAD exomes 0.00002; ExAC 0.00005.
gnomAD v4.1: 25 of 1,267,106 alleles (0.002%); highest among the groups gnomAD compares: Middle Eastern, 0.022%; no homozygotes.

Submissions (2):

Blueprint Genetics
Classification: Uncertain significance. Last evaluated: 2024-01-10. Review status: criteria provided, single submitter. Criteria: ACMG Guidelines, 2015. Collection method: clinical testing. Allele origin: germline.

GeneDx
Classification: Uncertain significance. Last evaluated: 2022-12-14. Review status: criteria provided, single submitter. Criteria: GeneDx Variant Classification Process June 2021. Collection method: clinical testing. Allele origin: germline. Affected: yes.
Comment: In silico analysis supports that this missense variant does not alter protein structure/function; Has not been previously published as pathogenic or benign to our knowledge